The following is an entry in ClinVar:

ClinVar aggregate classification (germline): Likely benign. Review status: criteria provided, multiple submitters, no conflicts (2 of 4 stars). 2 submissions from 2 submitters: Likely benign (2). Last evaluated 2025-12-21.

Allele frequency attached by ClinVar (database versions not stated): gnomAD 0.00002 and 0.00005; TOPMed 0.00007; ESP Exome Variant Server 0.00015.
gnomAD v4.1: 60 of 1,613,986 alleles (0.0037%); highest among the groups gnomAD compares: South Asian, 0.0099%; 1 homozygote.

Submissions (2):

Labcorp Genetics (formerly Invitae), Labcorp
Classification: Likely benign. Last evaluated: 2025-12-21. Review status: criteria provided, single submitter. Criteria: Invitae Variant Classification Sherloc (09022015). Collection method: clinical testing. Allele origin: germline.

CeGaT Center for Human Genetics Tuebingen
Classification: Likely benign. Last evaluated: 2023-01-01. Review status: criteria provided, single submitter. Criteria: CeGaT Center For Human Genetics Tuebingen Variant Classification Criteria Version 2. Collection method: clinical testing. Allele origin: germline. Affected: yes. Observed: 1 variant allele.
Comment: LYN: BP4, BP7

NM_002350.4(LYN):c.237G>A (p.Pro79=)

Gene: LYN (LYN proto-oncogene, Src family tyrosine kinase; plus strand). Cytogenetic location: 8q12.1.
Variant type: single nucleotide variant.
Coding change: c.237G>A on transcript NM_002350.4 (MANE Select); coding-DNA position 237, G replaced by A.
Protein change: p.Pro79=; no amino-acid change (proline 79 retained).
Molecular consequence: synonymous variant.
Genome position (GRCh38, 1-based): chr8:55,947,676, G>A. VCF-style: chr8-55947676-G-A. GRCh37 (hg19) VCF-style: chr8-56860235-G-A.
Other names: c.174G>A, p.Pro58= (NM_001111097.3); c.237G>A (NM_002350.3).
Identifiers: ClinVar variation 1524655 (VCV001524655.32), dbSNP rs372348713, ClinGen allele CA4753957.